The following is an entry in ClinVar:

ClinVar aggregate classification (germline): Uncertain significance (1 of 4 stars; one submission).

Conditions:
Dystonia 12 (DYT12). Also called: DYT-ATP1A3; Rapid-Onset Dystonia-Parkinsonism (RDP). Identifiers: Orphanet 71517, MedGen C1868681, MONDO:0007496, OMIM 128235.

Submission:

Labcorp Genetics (formerly Invitae), Labcorp
Classification: Uncertain significance for Dystonia 12. Last evaluated: 2020-10-01. Review status: criteria provided, single submitter. Criteria: Invitae Variant Classification Sherloc (09022015). Collection method: clinical testing. Allele origin: germline.
Comment: In summary, the available evidence is currently insufficient to determine the role of this variant in disease. Therefore, it has been classified as a Variant of Uncertain Significance. Algorithms developed to predict the effect of sequence changes on RNA splicing suggest that this variant may disrupt the consensus splice site, but this prediction has not been confirmed by published transcriptional studies. This variant has not been reported in the literature in individuals with ATP1A3-related conditions. This variant is not present in population databases (ExAC no frequency). This sequence change affects codon 698 of the ATP1A3 mRNA. It is a 'silent' change, meaning that it does not change the encoded amino acid sequence of the ATP1A3 protein.

NM_152296.5(ATP1A3):c.2094G>A (p.Gln698=)

Gene: ATP1A3 (ATPase Na+/K+ transporting subunit alpha 3; minus strand). Cytogenetic location: 19q13.2.
Variant type: single nucleotide variant.
Coding change: c.2094G>A on transcript NM_152296.5 (MANE Select); coding-DNA position 2094, G replaced by A.
Protein change: p.Gln698=; no amino-acid change (glutamine 698 retained).
Molecular consequence: synonymous variant.
Genome position (GRCh38, 1-based): chr19:41,976,416, C>T on the plus strand (G>A on the coding strand, the complement: ATP1A3 is on the minus strand). VCF-style: chr19-41976416-C-T. GRCh37 (hg19) VCF-style: chr19-42480568-C-T.
Other names: c.2127G>A, p.Gln709= (NM_001256213.2); c.2133G>A, p.Gln711= (NM_001256214.2).
Identifiers: ClinVar variation 999658 (VCV000999658.8), dbSNP rs782060744, ClinGen allele CA507585038.
Genomic context (GRCh38, chr19:41,976,416, plus strand): 5'-GCCTCAGTGAGGACCCAGGAGTCAAGGCCCCGTCCCCTCCTCTGCGGGAGCGCAGCCCAC[C>T]TGTCTCTGACAGCCCTCCACAATGATGAGCTTCTGCTGGGGGGATGTGCGGGCGAAGACG-3'
Protein context (NP_689509.1, residues 688-708): KLIIVEGCQR[Gln698=]GAIVAVTGDG